The following is an entry in ClinVar:

ClinVar aggregate classification (germline): Pathogenic (1 of 4 stars; one submission).

Conditions:
Charcot-Marie-Tooth disease, type I (CMT1). Also called: Charcot-Marie-Tooth disease type 1; Charcot-Marie-Tooth, Type 1. Identifiers: Orphanet 65753, MedGen C0751036, MONDO:0019011.

Submission:

Labcorp Genetics (formerly Invitae), Labcorp
Classification: Pathogenic for Charcot-Marie-Tooth disease, type I. Last evaluated: 2015-09-14. Review status: criteria provided, single submitter. Criteria: Invitae Variant Classification Sherloc (09022015). Collection method: clinical testing. Allele origin: germline.
Comment: This variant is a gross duplication of the genomic region encompassing exons 2-5 of the PMP22 gene. This assay only includes exons 2-5 of PMP22, which covers the entire coding sequence. Therefore, it is assumed that the entire gene is duplicated. Duplications of the region on chromosome 17p11.2 which contain the PMP22 gene causes Charcot-Marie-Tooth type 1A (CMT1A) (PMID: 1677316, 1822787) and has been shown to lead to increased gene dosage as the functional defect in patients with CMT1A (PMID: 1303230). For these reasons, this variant has been classified as Pathogenic.

NM_000304.2(PMP22):c.(?_-1)_(*1_?)dup

Gene: PMP22 (peripheral myelin protein 22; minus strand).
Variant type: Duplication.
Coding change: c.(?_-1)_(*1_?)dup on transcript NM_000304.2; a large duplication whose breakpoints are not mapped to the base.
Other names: c.(?_-1)_(*1_?)dup (LRG_263t1).
Identifiers: ClinVar variation 218289 (VCV000218289.1).